The following is an entry in ClinVar:

NM_001369.3(DNAH5):c.7096C>T (p.Arg2366Trp)

Gene: DNAH5 (dynein axonemal heavy chain 5; minus strand). Cytogenetic location: 5p15.2.
Variant type: single nucleotide variant.
Coding change: c.7096C>T on transcript NM_001369.3 (MANE Select); coding-DNA position 7096, C replaced by T.
Protein change: p.Arg2366Trp; replaces arginine 2366 with tryptophan.
Molecular consequence: missense variant.
Genome position (GRCh38, 1-based): chr5:13,814,739, G>A on the plus strand (C>T on the coding strand, the complement: DNAH5 is on the minus strand). VCF-style: chr5-13814739-G-A. GRCh37 (hg19) VCF-style: chr5-13814848-G-A.
Other names: short protein forms R2366W.
Identifiers: ClinVar variation 548646 (VCV000548646.18), dbSNP rs868151020, ClinGen allele CA113925311.

ClinVar aggregate classification (germline): Pathogenic/Likely pathogenic. Review status: criteria provided, multiple submitters, no conflicts (2 of 4 stars). 5 submissions from 5 submitters: Pathogenic (2); Likely pathogenic (1). 2 of the submissions do not count toward it. Last evaluated 2026-02-10.

Conditions:
Primary ciliary dyskinesia. Also called: Ciliary dyskinesia. Identifiers: Orphanet 244, MedGen C0008780, MONDO:0016575, HP:0012265.
Primary ciliary dyskinesia 3. Identifiers: Orphanet 244, MedGen C1837618, MONDO:0012085, OMIM 608644.

Allele frequency attached by ClinVar (database versions not stated): gnomAD exomes 0.00001; TOPMed 0.00001.
gnomAD v4.1: 3 of 1,614,014 alleles (0.00019%); highest among the groups gnomAD compares: Non-Finnish European, 0.000085%; no homozygotes.

Submissions (5):

Clinical Genetics and Genomics, Karolinska University Hospital
Classification: Pathogenic for Primary ciliary dyskinesia 3. Last evaluated: 2026-02-10. Review status: criteria provided, single submitter. Criteria: ACMG Guidelines, 2015. Collection method: clinical testing. Allele origin: germline. Inheritance: Autosomal recessive inheritance. Affected: yes.

Women's Health and Genetics/Laboratory Corporation of America, LabCorp
Classification: Likely pathogenic for Primary ciliary dyskinesia 3. Last evaluated: 2025-09-17. Review status: criteria provided, single submitter. Criteria: LabCorp Variant Classification Summary - May 2015. Collection method: clinical testing. Allele origin: germline.
Comment: Variant summary: DNAH5 c.7096C>T (p.Arg2366Trp) results in a non-conservative amino acid change located in the AAA+ ATPase domain (IPR003593) of the encoded protein sequence. Algorithms developed to predict the effect of missense changes on protein structure and function all suggest that this variant is likely to be disruptive. The variant allele was found at a frequency of 8e-06 in 251438 control chromosomes (gnomAD). c.7096C>T has been observed in at least one compound heterozygous individual affected with Primary ciliary dyskinesia (e.g. Shapiro_2015). To our knowledge, no experimental evidence demonstrating an impact on protein function has been reported. A different variant at the same codon (c.7097G>A, p.Arg2366Gln) has been classified as Pathogenic in ClinVar, suggesting a critical role of codon 2366 in DNAH5 protein function. The following publication has been ascertained in the context of this evaluation (PMID: 24905662). ClinVar contains an entry for this variant (Variation ID: 548646). Based on the evidence outlined above, the variant was classified as likely pathogenic.

Labcorp Genetics (formerly Invitae), Labcorp
Classification: Pathogenic for Primary ciliary dyskinesia. Last evaluated: 2025-01-15. Review status: criteria provided, single submitter. Criteria: Invitae Variant Classification Sherloc (09022015). Collection method: clinical testing. Allele origin: germline.
Comment: This sequence change replaces arginine, which is basic and polar, with tryptophan, which is neutral and slightly polar, at codon 2366 of the DNAH5 protein (p.Arg2366Trp). This variant is present in population databases (no rsID available, gnomAD 0.009%). This missense change has been observed in individual(s) with primary ciliary dyskinesia (PMID: 24905662). ClinVar contains an entry for this variant (Variation ID: 548646). Invitae Evidence Modeling of protein sequence and biophysical properties (such as structural, functional, and spatial information, amino acid conservation, physicochemical variation, residue mobility, and thermodynamic stability) indicates that this missense variant is expected to disrupt DNAH5 protein function with a positive predictive value of 95%. This variant disrupts the p.Arg2366 amino acid residue in DNAH5. Other variant(s) that disrupt this residue have been determined to be pathogenic (internal data). This suggests that this residue is clinically significant, and that variants that disrupt this residue are likely to be disease-causing. For these reasons, this variant has been classified as Pathogenic.

Natera, Inc.
Classification: Uncertain significance for Primary ciliary dyskinesia. Last evaluated: 2021-02-04. Review status: no assertion criteria provided. Collection method: clinical testing. Allele origin: germline. Not counted in ClinVar's aggregate classification.

Yale Center for Mendelian Genomics, Yale University
Classification: Likely pathogenic for Primary ciliary dyskinesia. Last evaluated: 2014-06-06. Review status: no assertion criteria provided. Collection method: literature only. Allele origin: germline. Affected: yes. Observed: 1 compound heterozygote. Not counted in ClinVar's aggregate classification.

Literature cited by the submitters: PubMed 24905662 (cited by 3 submitters).